The following is an entry in ClinVar:

ClinVar aggregate classification (germline): Uncertain significance (1 of 4 stars; one submission).

Conditions:
HNSHA due to aldolase A deficiency (GSD12). Also called: GSD XII; RED CELL ALDOLASE DEFICIENCY; GLYCOGEN STORAGE DISEASE XII; Glycogen storage disease due to aldolase A deficiency. Identifiers: Orphanet 57, MedGen C0272066, MONDO:0012747, OMIM 611881.

Submission:

Labcorp Genetics (formerly Invitae), Labcorp
Classification: Uncertain significance for HNSHA due to aldolase A deficiency. Last evaluated: 2022-07-11. Review status: criteria provided, single submitter. Criteria: Invitae Variant Classification Sherloc (09022015). Collection method: clinical testing. Allele origin: germline.
Comment: In summary, the available evidence is currently insufficient to determine the role of this variant in disease. Therefore, it has been classified as a Variant of Uncertain Significance. Algorithms developed to predict the effect of missense changes on protein structure and function output the following: SIFT: "Tolerated"; PolyPhen-2: "Benign"; Align-GVGD: "Class C0". The isoleucine amino acid residue is found in multiple mammalian species, which suggests that this missense change does not adversely affect protein function. This sequence change replaces valine, which is neutral and non-polar, with isoleucine, which is neutral and non-polar, at codon 104 of the ALDOA protein (p.Val104Ile). This variant is not present in population databases (gnomAD no frequency). This variant has not been reported in the literature in individuals affected with ALDOA-related conditions. ClinVar contains an entry for this variant (Variation ID: 999019).

NM_001243177.4(ALDOA):c.472G>A (p.Val158Ile)

Genes: ALDOA (aldolase, fructose-bisphosphate A; plus strand), LOC112694756 (uncharaterized LOC112694756; plus strand). Cytogenetic location: 16p11.2.
Variant type: single nucleotide variant.
Coding change: c.472G>A on transcript NM_001243177.4 (MANE Select); coding-DNA position 472, G replaced by A.
Protein change: p.Val158Ile; replaces valine 158 with isoleucine.
Molecular consequence: missense variant. On other transcripts: 3 prime UTR variant (3).
Genome position (GRCh38, 1-based): chr16:30,067,647, G>A. VCF-style: chr16-30067647-G-A. GRCh37 (hg19) VCF-style: chr16-30078968-G-A.
Other names: c.*819G>A (NM_001365304.2, NM_001365305.2, NM_001365307.2); c.310G>A, p.Val104Ile (NM_001127617.2, NM_184041.5, NM_184043.2); short protein forms V104I, V158I.
Identifiers: ClinVar variation 999019 (VCV000999019.8), dbSNP rs2072169825, ClinGen allele CA395487148.